The following is an entry in ClinVar:

ClinVar aggregate classification (germline): Uncertain significance (1 of 4 stars; one submission).

Conditions:
Baller-Gerold syndrome (BGS). Also called: CRANIOSYNOSTOSIS WITH RADIAL DEFECTS. Identifiers: Orphanet 1225, MedGen C0265308, MONDO:0009039, OMIM 218600.

gnomAD v4.1: 3 of 1,607,290 alleles (0.00019%); highest among the groups gnomAD compares: Non-Finnish European, 0.00026%; no homozygotes.

Submission:

Labcorp Genetics (formerly Invitae), Labcorp
Classification: Uncertain significance for Baller-Gerold syndrome. Last evaluated: 2024-01-20. Review status: criteria provided, single submitter. Criteria: Invitae Variant Classification Sherloc (09022015). Collection method: clinical testing. Allele origin: germline.
Comment: This sequence change replaces aspartic acid, which is acidic and polar, with tyrosine, which is neutral and polar, at codon 1013 of the RECQL4 protein (p.Asp1013Tyr). This variant is not present in population databases (gnomAD no frequency). This variant has not been reported in the literature in individuals affected with RECQL4-related conditions. ClinVar contains an entry for this variant (Variation ID: 1962251). Advanced modeling of protein sequence and biophysical properties (such as structural, functional, and spatial information, amino acid conservation, physicochemical variation, residue mobility, and thermodynamic stability) performed at Invitae indicates that this missense variant is not expected to disrupt RECQL4 protein function with a negative predictive value of 80%. In summary, the available evidence is currently insufficient to determine the role of this variant in disease. Therefore, it has been classified as a Variant of Uncertain Significance.

NM_004260.4(RECQL4):c.3037G>T (p.Asp1013Tyr)

Gene: RECQL4 (RecQ like helicase 4; minus strand). Cytogenetic location: 8q24.3.
Variant type: single nucleotide variant.
Coding change: c.3037G>T on transcript NM_004260.4 (MANE Select); coding-DNA position 3037, G replaced by T.
Protein change: p.Asp1013Tyr; replaces aspartic acid 1013 with tyrosine.
Molecular consequence: missense variant.
Genome position (GRCh38, 1-based): chr8:144,512,410, C>A on the plus strand (G>T on the coding strand, the complement: RECQL4 is on the minus strand). VCF-style: chr8-144512410-C-A. GRCh37 (hg19) VCF-style: chr8-145737793-C-A.
Other names: c.1900G>T, p.Asp634Tyr (NM_001413027.1, NM_001413030.1, NM_001413032.1); c.1966G>T, p.Asp656Tyr (NM_001413028.1, NM_001413034.1, NM_001413035.1 and 4 more transcripts); c.2686G>T, p.Asp896Tyr (NM_001413029.1); c.1768G>T, p.Asp590Tyr (NM_001413031.1, NM_001413038.1); c.2905G>T, p.Asp969Tyr (NM_001413033.1); c.3037G>T, p.Asp1013Tyr (NM_001413036.1); c.2743G>T, p.Asp915Tyr (NM_001413017.1); c.2839G>T, p.Asp947Tyr (NM_001413018.1); and 9 more; short protein forms D1013Y, D659Y, D1003Y, D1038Y, D524Y, D612Y, D681Y, D896Y.
Identifiers: ClinVar variation 1962251 (VCV001962251.5), dbSNP rs1266261662, ClinGen allele CA372671174.